The following is an entry in ClinVar:

NM_001009944.3(PKD1):c.2085del (p.Ala696fs)

Gene: PKD1 (polycystin 1, transient receptor potential channel interacting; minus strand). Cytogenetic location: 16p13.3.
Variant type: Deletion.
Coding change: c.2085del on transcript NM_001009944.3 (MANE Select); coding-DNA position 2085, one base deleted (C; older notation c.2085delC).
Protein change: p.Ala696fs; shifts the reading frame from alanine 696.
Molecular consequence: frameshift variant.
Genome position (GRCh38, 1-based): chr16:2,115,390, G deleted on the plus strand (C on the coding strand, the reverse complement: PKD1 is on the minus strand); the first of 6 consecutive G bases (chr16:2,115,390-2,115,395); deleting any one gives the same sequence. VCF-style (leftmost placement, unchanged base first): chr16-2115389-CG-C. GRCh37 (hg19) VCF-style: chr16-2165390-CG-C.
Other names: c.2085delC (NM_001009944.3); c.2085del, p.Ala696fs (NM_000296.4); short protein forms A696fs.
Identifiers: ClinVar variation 811793 (VCV000811793.11), dbSNP rs1567212531, ClinGen allele CA915949019.

ClinVar aggregate classification (germline): Pathogenic. Review status: criteria provided, multiple submitters, no conflicts (2 of 4 stars). 4 submissions from 4 submitters: Pathogenic (4). Last evaluated 2022-08-05.

Conditions:
Polycystic kidney disease, adult type (PKD1). Also called: Polycystic Kidney Disease 1, Autosomal Dominant; Polycystic kidney disease 1; Polycystic kidney disease 1, severe; Polycystic Kidney, Autosomal Dominant; POLYCYSTIC KIDNEY DISEASE, ADULT, TYPE I; POLYCYSTIC KIDNEY DISEASE 1 WITH OR WITHOUT POLYCYSTIC LIVER DISEASE. Identifiers: MedGen C3149841, MONDO:0008263, OMIM 173900.
PKD1-related disorder. Also called: PKD1-related condition.

Submissions (4):

MGZ Medical Genetics Center
Classification: Pathogenic for Polycystic kidney disease, adult type. Last evaluated: 2022-08-05. Review status: criteria provided, single submitter. Criteria: ACMG Guidelines, 2015. Collection method: clinical testing. Allele origin: germline. Affected: yes. Observed: 1 variant allele.
Comment: ACMG criteria applied: PVS1, PM2_SUP, PP4

Blueprint Genetics
Classification: Pathogenic for PKD1-related disorders. Last evaluated: 2021-11-22. Review status: criteria provided, single submitter. Criteria: ACMG Guidelines, 2015. Collection method: clinical testing. Allele origin: germline. Affected: yes. Observed: 3 variant alleles.

Cavalleri Lab, Royal College of Surgeons in Ireland
Classification: Pathogenic for Polycystic kidney disease, adult type. Last evaluated: 2020-02-05. Review status: criteria provided, single submitter. Criteria: ACMG Guidelines, 2015. Collection method: research. Allele origin: unknown. Inheritance: Autosomal dominant inheritance. Affected: yes.
Comment: PVS1, PM1, PM2,PP4

ARUP Laboratories, Molecular Genetics and Genomics, ARUP Laboratories
Classification: Pathogenic for Polycystic kidney disease, adult type. Last evaluated: 2018-09-28. Review status: criteria provided, single submitter. Criteria: ARUP Molecular Germline Variant Investigation Process. Collection method: clinical testing. Allele origin: germline.
Comment: The PKD1 c.2085delC; p.Ala696fs variant, is reported in the literature in multiple individuals affected with autosomal dominant polycystic kidney disease (ADPKD) (Hoefele 2011, Rossetti 2001). This variant is reported as definitely pathogenic in the ADPKD mutation database (see link), and is absent from general population databases (1000 Genomes Project, Exome Variant Server, and Genome Aggregation Database), indicating it is not a common polymorphism. This variant causes a frameshift by deleting a single nucleotide, so it is predicted to result in a truncated protein or mRNA subject to nonsense-mediated decay. Based on available information, the p.Ala696fs variant is considered to be pathogenic. References: Link to ADPKD mutation database: Hoefele J et al. Novel PKD1 and PKD2 mutations in autosomal dominant polycystic kidney disease (ADPKD). Nephrol Dial Transplant. 2011 Jul;26(7):2181-8. Rossetti S et al. Mutation analysis of the entire PKD1 gene: genetic and diagnostic implications. Am J Hum Genet. 2001 Jan;68(1):46-63.